The following is an entry in ClinVar:

ClinVar aggregate classification (germline): Conflicting classifications of pathogenicity. Review status: criteria provided, conflicting classifications (1 of 4 stars). 10 submissions from 10 submitters: Uncertain significance (7); Likely benign (2). 1 of the submissions does not count toward it. Last evaluated 2025-12-31.

Conditions:
Hereditary cancer-predisposing syndrome. Also called: Hereditary Cancer Syndrome; Neoplastic Syndromes, Hereditary; Tumor predisposition; Hereditary neoplastic syndrome. Identifiers: Orphanet 140162, MedGen C0027672, MeSH D009386, MONDO:0015356.
Hereditary diffuse gastric adenocarcinoma (HDGC). Also called: DIFFUSE GASTRIC AND LOBULAR BREAST CANCER SYNDROME. Identifiers: Orphanet 26106, MedGen C1708349, MONDO:0007648, OMIM 137215.
Familial cancer of breast. Also called: BREAST CANCER, FAMILIAL; Hereditary breast cancer; hereditary breast carcinoma. Identifiers: Orphanet 227535, MedGen C0346153, MONDO:0016419, OMIM 114480. Disease mechanism: loss of function.

Allele frequency attached by ClinVar (database versions not stated): ExAC 0.00001; gnomAD 0.00001 and 0.00002; gnomAD exomes 0.00001; TOPMed 0.00001.
gnomAD v4.1: 18 of 1,614,026 alleles (0.0011%); highest among the groups gnomAD compares: Middle Eastern, 0.016%; no homozygotes.

Submissions (10):

Labcorp Genetics (formerly Invitae), Labcorp
Classification: Likely benign for Hereditary diffuse gastric adenocarcinoma. Last evaluated: 2025-12-31. Review status: criteria provided, single submitter. Criteria: Invitae Variant Classification Sherloc (09022015). Collection method: clinical testing. Allele origin: germline.

Quest Diagnostics Nichols Institute San Juan Capistrano
Classification: Uncertain significance. Last evaluated: 2024-12-02. Review status: criteria provided, single submitter. Criteria: Quest Diagnostics criteria. Collection method: clinical testing. Allele origin: unknown.
Comment: The CDH1 c.2261A>G (p.Tyr754Cys) variant has been reported in the published literature in a cohort of women identified as having low risk for breast cancer (PMID: 38153744 (2023)). The frequency of this variant in the general population (Genome Aggregation Database) is uninformative in the assessment of its pathogenicity. Analysis of this variant using bioinformatics tools for the prediction of the effect of amino acid changes on protein structure and function yielded conflicting predictions that this variant is benign or damaging. Based on the available information, we are unable to determine the clinical significance of this variant.

Color Diagnostics, LLC DBA Color Health
Classification: Uncertain significance for Hereditary cancer-predisposing syndrome. Last evaluated: 2024-08-12. Review status: criteria provided, single submitter. Criteria: ACMG Guidelines, 2015. Collection method: clinical testing. Allele origin: germline.
Comment: This missense variant replaces tyrosine with cysteine at codon 754 of the CDH1 protein. To our knowledge, functional studies have not been reported for this variant. This variant has not been reported in individuals affected with CDH1-related disorders in the literature. This variant has been identified in 3/282888 chromosomes in the general population by the Genome Aggregation Database (gnomAD). The available evidence is insufficient to determine the role of this variant in disease conclusively. Therefore, this variant is classified as a Variant of Uncertain Significance.

Baylor Genetics
Classification: Uncertain significance for Familial cancer of breast. Last evaluated: 2024-02-09. Review status: criteria provided, single submitter. Criteria: ACMG Guidelines, 2015. Collection method: clinical testing. Allele origin: unknown.

Myriad Genetics, Inc.
Classification: Uncertain significance for Hereditary diffuse gastric adenocarcinoma. Last evaluated: 2023-03-03. Review status: criteria provided, single submitter. Criteria: Myriad Autosomal Dominant, Autosomal Recessive and X-Linked Classification Criteria (2023). Collection method: clinical testing. Allele origin: unknown.
Comment: This variant is classified as a variant of uncertain significance as there is insufficient evidence to determine its impact on protein function and/or cancer risk.

Department of Pathology and Laboratory Medicine, Sinai Health System
Classification: Uncertain significance for Hereditary diffuse gastric adenocarcinoma. Last evaluated: 2023-02-27. Review status: criteria provided, single submitter. Criteria: ACMG Guidelines, 2015. Collection method: clinical testing. Allele origin: germline. Affected: yes.

GeneDx
Classification: Uncertain significance. Last evaluated: 2022-12-29. Review status: criteria provided, single submitter. Criteria: GeneDx Variant Classification Process June 2021. Collection method: clinical testing. Allele origin: germline. Affected: yes.
Comment: Not observed at significant frequency in large population cohorts (gnomAD); In silico analysis supports that this missense variant has a deleterious effect on protein structure/function; Has not been previously published as pathogenic or benign to our knowledge; This variant is associated with the following publications: (PMID: 22252131, 15235021, 22850631)

Revvity Omics, Revvity
Classification: Uncertain significance. Last evaluated: 2022-01-26. Review status: criteria provided, single submitter. Criteria: ACMG Guidelines, 2015. Collection method: clinical testing. Allele origin: germline.

Ambry Genetics
Classification: Likely benign for Hereditary cancer-predisposing syndrome. Last evaluated: 2021-03-04. Review status: criteria provided, single submitter. Criteria: Ambry Variant Classification Scheme 2023. Collection method: clinical testing. Allele origin: germline.

Counsyl
Classification: Uncertain significance for Hereditary diffuse gastric adenocarcinoma. Last evaluated: 2016-09-14. Review status: no assertion criteria provided. Collection method: clinical testing. Allele origin: unknown. Not counted in ClinVar's aggregate classification.

Literature cited by the submitters: PubMed 27697855 (cited by Quest Diagnostics Nichols Institute San Juan Capistrano); PubMed 31819260 (cited by Quest Diagnostics Nichols Institute San Juan Capistrano); PubMed 38153744 (cited by Quest Diagnostics Nichols Institute San Juan Capistrano); PubMed 22252131 (cited by Counsyl).

NM_004360.5(CDH1):c.2261A>G (p.Tyr754Cys)

Gene: CDH1 (cadherin 1; plus strand). Cytogenetic location: 16q22.1.
Variant type: single nucleotide variant.
Coding change: c.2261A>G on transcript NM_004360.5 (MANE Select); coding-DNA position 2261, A replaced by G.
Protein change: p.Tyr754Cys; replaces tyrosine 754 with cysteine.
Molecular consequence: missense variant.
Genome position (GRCh38, 1-based): chr16:68,828,270, A>G. VCF-style: chr16-68828270-A-G. GRCh37 (hg19) VCF-style: chr16-68862173-A-G.
Other names: c.2261A>G (LRG_301t1); c.2078A>G, p.Tyr693Cys (NM_001317184.2); c.713A>G, p.Tyr238Cys (NM_001317185.2); c.296A>G, p.Tyr99Cys (NM_001317186.2); short protein forms Y754C, Y693C, Y99C, Y238C.
Identifiers: ClinVar variation 185915 (VCV000185915.32), dbSNP rs767613429, ClinGen allele CA193357.